The following is an entry in ClinVar:

NM_001375524.1(TRRAP):c.10913C>T (p.Ala3638Val)

Gene: TRRAP (transformation/transcription domain associated protein; plus strand). Cytogenetic location: 7q22.1.
Variant type: single nucleotide variant.
Coding change: c.10913C>T on transcript NM_001375524.1 (MANE Select); coding-DNA position 10913, C replaced by T.
Protein change: p.Ala3638Val; replaces alanine 3638 with valine.
Molecular consequence: missense variant.
Genome position (GRCh38, 1-based): chr7:99,008,536, C>T. VCF-style: chr7-99008536-C-T. GRCh37 (hg19) VCF-style: chr7-98606159-C-T.
Other names: c.10871C>T, p.Ala3624Val (NM_001244580.2); c.10784C>T, p.Ala3595Val (NM_003496.4); short protein forms A3595V, A3624V, A3638V.
Identifiers: ClinVar variation 3255216 (VCV003255216.1), dbSNP rs1794294985.

ClinVar aggregate classification (germline): Uncertain significance (1 of 4 stars; one submission).

Conditions:
Developmental delay with or without dysmorphic facies and autism. Identifiers: MedGen C5193106, MONDO:0032760, OMIM 618454.

Submission:

Victorian Clinical Genetics Services, Murdoch Childrens Research Institute
Classification: Uncertain significance for Developmental delay with or without dysmorphic facies and autism. Last evaluated: 2023-07-17. Review status: criteria provided, single submitter. Criteria: ACMG Guidelines, 2015. Collection method: clinical testing. Allele origin: germline. Inheritance: Autosomal dominant inheritance. Affected: yes.
Comment: Based on the classification scheme VCGS_Germline_v1.3.4, this variant is classified as VUS-3B. Following criteria are met: 0102 - Loss of function is a likely mechanism of disease in this gene and is associated with developmental delay with or without dysmorphic facies and autism (MIM#618454). (I) 0107 - This gene is associated with autosomal dominant disease. (I) 0200 - Variant is predicted to result in a missense amino acid change from alanine to valine. (I) 0251 - This variant is heterozygous. (I) 0301 - Variant is absent from gnomAD (both v2 and v3). (SP) 0309 - An alternative amino acid change at the same position has been observed in gnomAD (v3) (1 heterozygote, 0 homozygotes). (I) 0502 - Missense variant with conflicting in silico predictions and uninformative conservation. (I) 0600 - Variant is located in the annotated phosphatidylinositol 3- and 4-kinase domain (DECIPHER). (I) 0705 - No comparable missense variants have previous evidence for pathogenicity. (I) 0807 - This variant has no previous evidence of pathogenicity. (I) 0905 - No published segregation evidence has been identified for this variant. (I) 1007 - No published functional evidence has been identified for this variant. (I) Legend: (SP) - Supporting pathogenic, (I) - Information, (SB) - Supporting benign